The following is an entry in ClinVar:

NM_018714.3(COG1):c.2719A>T (p.Ser907Cys)

Gene: COG1 (component of oligomeric golgi complex 1; plus strand). Cytogenetic location: 17q25.1.
Variant type: single nucleotide variant.
Coding change: c.2719A>T on transcript NM_018714.3 (MANE Select); coding-DNA position 2719, A replaced by T.
Protein change: p.Ser907Cys; replaces serine 907 with cysteine.
Molecular consequence: missense variant.
Genome position (GRCh38, 1-based): chr17:73,206,807, A>T. VCF-style: chr17-73206807-A-T. GRCh37 (hg19) VCF-style: chr17-71202946-A-T.
Other names: short protein forms S907C.
Identifiers: ClinVar variation 1424328 (VCV001424328.8), dbSNP rs1468033790, ClinGen allele CA400896874.
Genomic context (GRCh38, chr17:73,206,807, plus strand): 5'-GCCCCCCGGAGCAGTACGTTCAACTCCCAAGAACCCCATAACATCCTGCCACTGGCATCC[A>T]GTCAGATCAGGTAAAGGCTGCCAAGAGGCTTCTGCGGGGCACTTCGGGAGGCCAAGGTGG-3'
Protein context (NP_061184.1, residues 897-917): EPHNILPLAS[Ser907Cys]QIRFGLLPLS

ClinVar aggregate classification (germline): Uncertain significance (1 of 4 stars; one submission).

Conditions:
COG1 congenital disorder of glycosylation (CDG2G). Also called: CDG IIg; CDGII/COG1 CEREBROCOSTOMANDIBULAR-LIKE SYNDROME; CONGENITAL DISORDER OF GLYCOSYLATION, TYPE IIg. Identifiers: Orphanet 263508, MedGen C2931011, MONDO:0012637, OMIM 611209.

Submission:

Labcorp Genetics (formerly Invitae), Labcorp
Classification: Uncertain significance for COG1 congenital disorder of glycosylation. Last evaluated: 2021-04-27. Review status: criteria provided, single submitter. Criteria: Invitae Variant Classification Sherloc (09022015). Collection method: clinical testing. Allele origin: germline.
Comment: In summary, the available evidence is currently insufficient to determine the role of this variant in disease. Therefore, it has been classified as a Variant of Uncertain Significance. Algorithms developed to predict the effect of missense changes on protein structure and function are either unavailable or do not agree on the potential impact of this missense change (SIFT: "Deleterious"; PolyPhen-2: "Probably Damaging"; Align-GVGD: "Class C0"). This variant has not been reported in the literature in individuals with COG1-related conditions. This variant is not present in population databases (ExAC no frequency). This sequence change replaces serine with cysteine at codon 907 of the COG1 protein (p.Ser907Cys). The serine residue is highly conserved and there is a moderate physicochemical difference between serine and cysteine.